The following is an entry in ClinVar:

NM_021023.6(CFHR3):c.299A>G (p.Tyr100Cys)

Gene: CFHR3 (complement factor H related 3; plus strand). Cytogenetic location: 1q31.3.
Variant type: single nucleotide variant.
Coding change: c.299A>G on transcript NM_021023.6 (MANE Select); coding-DNA position 299, A replaced by G.
Protein change: p.Tyr100Cys; replaces tyrosine 100 with cysteine.
Molecular consequence: missense variant.
Genome position (GRCh38, 1-based): chr1:196,779,842, A>G. VCF-style: chr1-196779842-A-G. GRCh37 (hg19) VCF-style: chr1-196748972-A-G.
Other names: p.Tyr100Cys; c.299A>G, p.Tyr100Cys (NM_001166624.2); short protein forms Y100C.
Identifiers: ClinVar variation 767739 (VCV000767739.4), dbSNP rs116375156, ClinGen allele CA1306108.

ClinVar aggregate classification (germline): Benign/Likely benign. Review status: criteria provided, multiple submitters, no conflicts (2 of 4 stars). 2 submissions from 2 submitters: Benign (1); Likely benign (1). Last evaluated 2025-02-24.

Allele frequency attached by ClinVar (database versions not stated): gnomAD exomes 0.00074 and 0.00022; ESP Exome Variant Server 0.00362; ExAC 0.00104; gnomAD 0.00276 and 0.00290; 1000 Genomes Project 0.00359; 1000 Genomes Project 30x 0.00453.
gnomAD v4.1: 706 of 1,532,386 alleles (0.046%); highest among the groups gnomAD compares: African/African-American, 1.1%; 187 homozygotes.

Submissions (2):

Mayo Clinic Laboratories, Mayo Clinic
Classification: Likely benign. Last evaluated: 2025-02-24. Review status: criteria provided, single submitter. Criteria: ACMG Guidelines, 2015. Collection method: clinical testing. Allele origin: germline. Observed: 14 variant alleles.
Comment: BS1, BP4

Labcorp Genetics (formerly Invitae), Labcorp
Classification: Benign. Last evaluated: 2018-10-10. Review status: criteria provided, single submitter. Criteria: Invitae Variant Classification Sherloc (09022015). Collection method: clinical testing. Allele origin: germline.

Literature cited by the submitters: PubMed 28522344 (cited by Mayo Clinic Laboratories, Mayo Clinic).